The following is an entry in ClinVar:

ClinVar aggregate classification (germline): Uncertain significance. Review status: criteria provided, multiple submitters, no conflicts (2 of 4 stars). 2 submissions from 2 submitters: Uncertain significance (2). Last evaluated 2025-07-31.

Conditions:
Inborn genetic diseases. Identifiers: MedGen C0950123, MeSH D030342.
Spastic paraplegia. Identifiers: MedGen C0037772, HP:0001258.

Allele frequency attached by ClinVar (database versions not stated): gnomAD 0.00001; ExAC 0.00002; gnomAD exomes 0.00002; TOPMed 0.00003; ESP Exome Variant Server 0.00008.
gnomAD v4.1: 35 of 1,613,990 alleles (0.0022%); highest among the groups gnomAD compares: Non-Finnish European, 0.0028%; no homozygotes.

Submissions (2):

Ambry Genetics
Classification: Uncertain significance for Inborn genetic diseases. Last evaluated: 2025-07-31. Review status: criteria provided, single submitter. Criteria: Ambry Variant Classification Scheme 2023. Collection method: clinical testing. Allele origin: germline.

Labcorp Genetics (formerly Invitae), Labcorp
Classification: Uncertain significance for Spastic paraplegia. Last evaluated: 2022-04-04. Review status: criteria provided, single submitter. Criteria: Invitae Variant Classification Sherloc (09022015). Collection method: clinical testing. Allele origin: germline.
Comment: This sequence change replaces tyrosine, which is neutral and polar, with cysteine, which is neutral and slightly polar, at codon 275 of the ZFYVE26 protein (p.Tyr275Cys). This variant is present in population databases (rs376544044, gnomAD 0.008%). This variant has not been reported in the literature in individuals affected with ZFYVE26-related conditions. Algorithms developed to predict the effect of missense changes on protein structure and function are either unavailable or do not agree on the potential impact of this missense change (SIFT: "Deleterious"; PolyPhen-2: "Probably Damaging"; Align-GVGD: "Class C15"). In summary, the available evidence is currently insufficient to determine the role of this variant in disease. Therefore, it has been classified as a Variant of Uncertain Significance.

NM_015346.4(ZFYVE26):c.824A>G (p.Tyr275Cys)

Gene: ZFYVE26 (zinc finger FYVE-type containing 26; minus strand). Cytogenetic location: 14q24.1.
Variant type: single nucleotide variant.
Coding change: c.824A>G on transcript NM_015346.4 (MANE Select); coding-DNA position 824, A replaced by G.
Protein change: p.Tyr275Cys; replaces tyrosine 275 with cysteine.
Molecular consequence: missense variant.
Genome position (GRCh38, 1-based): chr14:67,807,460, T>C on the plus strand (A>G on the coding strand, the complement: ZFYVE26 is on the minus strand). VCF-style: chr14-67807460-T-C. GRCh37 (hg19) VCF-style: chr14-68274177-T-C.
Other names: c.824A>G (NM_015346.3); short protein forms Y275C.
Identifiers: ClinVar variation 1368884 (VCV001368884.6), dbSNP rs376544044, ClinGen allele CA7240693.